The following is an entry in ClinVar:

ClinVar aggregate classification (germline): Uncertain significance. Review status: criteria provided, multiple submitters, no conflicts (2 of 4 stars). 2 submissions from 2 submitters: Uncertain significance (2). Last evaluated 2024-04-01.

Conditions:
Multiple endocrine neoplasia type 4. Also called: MULTIPLE ENDOCRINE NEOPLASIA, TYPE IV. Identifiers: Orphanet 276152, MedGen C1970712, MONDO:0012552, OMIM 610755.
Hereditary cancer-predisposing syndrome. Also called: Neoplastic Syndromes, Hereditary; Hereditary Cancer Syndrome; Hereditary neoplastic syndrome; Tumor predisposition. Identifiers: Orphanet 140162, MedGen C0027672, MeSH D009386, MONDO:0015356.

Allele frequency attached by ClinVar (database versions not stated): gnomAD exomes below 0.00001.
gnomAD v4.1: 1 of 1,599,564 alleles (0.000063%); highest among the groups gnomAD compares: Non-Finnish European, 0.000085%; no homozygotes.

Submissions (2):

Ambry Genetics
Classification: Uncertain significance for Hereditary cancer-predisposing syndrome. Last evaluated: 2024-04-01. Review status: criteria provided, single submitter. Criteria: Ambry Variant Classification Scheme 2023. Collection method: clinical testing. Allele origin: germline.
Comment: The p.A145V variant (also known as c.434C>T), located in coding exon 1 of the CDKN1B gene, results from a C to T substitution at nucleotide position 434. The alanine at codon 145 is replaced by valine, an amino acid with similar properties. This amino acid position is conserved. In addition, this alteration is predicted to be tolerated by in silico analysis. Based on the available evidence, the clinical significance of this alteration remains unclear.

Labcorp Genetics (formerly Invitae), Labcorp
Classification: Uncertain significance for Multiple endocrine neoplasia type 4. Last evaluated: 2023-11-05. Review status: criteria provided, single submitter. Criteria: Invitae Variant Classification Sherloc (09022015). Collection method: clinical testing. Allele origin: germline.
Comment: This sequence change replaces alanine, which is neutral and non-polar, with valine, which is neutral and non-polar, at codon 145 of the CDKN1B protein (p.Ala145Val). This variant is not present in population databases (gnomAD no frequency). This variant has not been reported in the literature in individuals affected with CDKN1B-related conditions. ClinVar contains an entry for this variant (Variation ID: 847072). An algorithm developed to predict the effect of missense changes on protein structure and function (PolyPhen-2) suggests that this variant is likely to be disruptive. In summary, the available evidence is currently insufficient to determine the role of this variant in disease. Therefore, it has been classified as a Variant of Uncertain Significance.

NM_004064.5(CDKN1B):c.434C>T (p.Ala145Val)

Gene: CDKN1B (cyclin dependent kinase inhibitor 1B; plus strand). Cytogenetic location: 12p13.1.
Variant type: single nucleotide variant.
Coding change: c.434C>T on transcript NM_004064.5 (MANE Select); coding-DNA position 434, C replaced by T.
Protein change: p.Ala145Val; replaces alanine 145 with valine.
Molecular consequence: missense variant.
Genome position (GRCh38, 1-based): chr12:12,718,273, C>T. VCF-style: chr12-12718273-C-T. GRCh37 (hg19) VCF-style: chr12-12871207-C-T.
Other names: c.434C>T (NM_004064.3); short protein forms A145V.
Identifiers: ClinVar variation 847072 (VCV000847072.10), dbSNP rs1946499288, ClinGen allele CA383970763.
Genomic context (GRCh38, chr12:12,718,273, plus strand): 5'-CTGAGGACACGCATTTGGTGGACCCAAAGACTGATCCGTCGGACAGCCAGACGGGGTTAG[C>T]GGAGCAATGCGCAGGAATAAGGAAGCGACCTGCAACCGACGGTAATGACCCTTTCCCAAC-3'
Protein context (NP_004055.1, residues 135-155): TDPSDSQTGL[Ala145Val]EQCAGIRKRP